The following is an entry in ClinVar:

NM_024426.6(WT1):c.1379C>A (p.Thr460Asn)

Gene: WT1 (WT1 transcription factor; minus strand). Cytogenetic location: 11p13.
Variant type: single nucleotide variant.
Coding change: c.1379C>A on transcript NM_024426.6 (MANE Select); coding-DNA position 1379, C replaced by A.
Protein change: p.Thr460Asn; replaces threonine 460 with asparagine.
Molecular consequence: missense variant. On other transcripts: non-coding transcript variant (1).
Genome position (GRCh38, 1-based): chr11:32,392,040, G>T on the plus strand (C>A on the coding strand, the complement: WT1 is on the minus strand). VCF-style: chr11-32392040-G-T. GRCh37 (hg19) VCF-style: chr11-32413586-G-T.
Other names: c.1328C>A, p.Thr443Asn (NM_000378.6, NM_001407045.1); c.728C>A, p.Thr243Asn (NM_001198551.2); c.677C>A, p.Thr226Asn (NM_001198552.2); c.191C>A, p.Thr64Asn (NM_001367854.1); c.1373C>A, p.Thr458Asn (NM_001407044.1); c.1256C>A, p.Thr419Asn (NM_001407047.1); c.1238C>A, p.Thr413Asn (NM_001407048.1); c.1205C>A, p.Thr402Asn (NM_001407050.1); and 3 more; short protein forms T419N, T443N, T458N, T206N, T243N, T438N, T402N, T413N.
Identifiers: ClinVar variation 1996069 (VCV001996069.4), dbSNP rs766697865, ClinGen allele CA219474077.

ClinVar aggregate classification (germline): Uncertain significance (1 of 4 stars; one submission).

Conditions:
Drash syndrome (DDS). Also called: NEPHROPATHY, WILMS TUMOR, AND GENITAL ANOMALIES; WILMS TUMOR AND PSEUDO- OR TRUE HERMAPHRODITISM. Identifiers: Orphanet 220, MedGen C0950121, MONDO:0008682, OMIM 194080.
Frasier syndrome. Identifiers: Orphanet 347, MedGen C0950122, MeSH D052159, MONDO:0007635, OMIM 136680.
Wilms tumor 1 (WT1). Also called: Wilms tumor, somatic. Identifiers: Orphanet 654, MedGen CN033288, MONDO:0008679, OMIM 194070.
11p partial monosomy syndrome (WAGR). Also called: WAGR Complex; WAGR Spectrum Disorder; WAGR syndrome; CHROMOSOME 11p13 DELETION SYNDROME. Identifiers: Orphanet 893, MedGen C0206115, MONDO:0008681, OMIM 194072.

gnomAD v4.1: 1 of 1,614,126 alleles (0.000062%); highest among the groups gnomAD compares: Non-Finnish European, 0.000085%; no homozygotes.

Submission:

Labcorp Genetics (formerly Invitae), Labcorp
Classification: Uncertain significance for Wilms tumor 1; Drash syndrome; 11p partial monosomy syndrome; Frasier syndrome. Last evaluated: 2022-05-18. Review status: criteria provided, single submitter. Criteria: Invitae Variant Classification Sherloc (09022015). Collection method: clinical testing. Allele origin: germline.
Comment: In summary, the available evidence is currently insufficient to determine the role of this variant in disease. Therefore, it has been classified as a Variant of Uncertain Significance. Algorithms developed to predict the effect of missense changes on protein structure and function (SIFT, PolyPhen-2, Align-GVGD) all suggest that this variant is likely to be disruptive. This variant has not been reported in the literature in individuals affected with WT1-related conditions. This variant is not present in population databases (gnomAD no frequency). This sequence change replaces threonine, which is neutral and polar, with asparagine, which is neutral and polar, at codon 455 of the WT1 protein (p.Thr455Asn).